The following is an entry in ClinVar:

ClinVar aggregate classification (germline): Uncertain significance (1 of 4 stars; one submission).

Allele frequency attached by ClinVar (database versions not stated): gnomAD exomes below 0.00001 and 0.00001; TOPMed below 0.00001.
gnomAD v4.1: 3 of 1,209,970 alleles (0.00025%); highest among the groups gnomAD compares: Non-Finnish European, 0.00011%; no homozygotes.

Submission:

Labcorp Genetics (formerly Invitae), Labcorp
Classification: Uncertain significance. Last evaluated: 2019-05-05. Review status: criteria provided, single submitter. Criteria: Invitae Variant Classification Sherloc (09022015). Collection method: clinical testing. Allele origin: germline.
Comment: In summary, the available evidence is currently insufficient to determine the role of this variant in disease. Therefore, it has been classified as a Variant of Uncertain Significance. Algorithms developed to predict the effect of sequence changes on RNA splicing suggest that this variant may create or strengthen a splice site, but this prediction has not been confirmed by published transcriptional studies. Algorithms developed to predict the effect of missense changes on protein structure and function (SIFT, PolyPhen-2, Align-GVGD) all suggest that this variant is likely to be disruptive, but these predictions have not been confirmed by published functional studies and their clinical significance is uncertain. This variant has not been reported in the literature in individuals with KIAA2022-related disease. This variant is not present in population databases (ExAC no frequency). This sequence change replaces glycine with arginine at codon 688 of the KIAA2022 protein (p.Gly688Arg). The glycine residue is highly conserved and there is a moderate physicochemical difference between glycine and arginine.

NM_001008537.3(NEXMIF):c.2062G>A (p.Gly688Arg)

Gene: NEXMIF (neurite extension and migration factor; minus strand). Cytogenetic location: Xq13.3.
Variant type: single nucleotide variant.
Coding change: c.2062G>A on transcript NM_001008537.3 (MANE Select); coding-DNA position 2062, G replaced by A.
Protein change: p.Gly688Arg; replaces glycine 688 with arginine.
Molecular consequence: missense variant.
Genome position (GRCh38, 1-based): chrX:74,742,495, C>T on the plus strand (G>A on the coding strand, the complement: NEXMIF is on the minus strand). VCF-style: chrX-74742495-C-T. GRCh37 (hg19) VCF-style: chrX-73962330-C-T.
Other names: short protein forms G688R.
Identifiers: ClinVar variation 650149 (VCV000650149.10), dbSNP rs1466709402, ClinGen allele CA413669073.